The following is an entry in ClinVar:

NM_004655.4(AXIN2):c.1284C>A (p.Ser428=)

Gene: AXIN2 (axin 2; minus strand). Cytogenetic location: 17q24.1.
Variant type: single nucleotide variant.
Coding change: c.1284C>A on transcript NM_004655.4 (MANE Select); coding-DNA position 1284, C replaced by A.
Protein change: p.Ser428=; no amino-acid change (serine 428 retained).
Molecular consequence: synonymous variant.
Genome position (GRCh38, 1-based): chr17:65,537,752, G>T on the plus strand (C>A on the coding strand, the complement: AXIN2 is on the minus strand). VCF-style: chr17-65537752-G-T. GRCh37 (hg19) VCF-style: chr17-63533870-G-T.
Other names: c.1284C>A, p.Ser428= (NM_001363813.1); c.1284C>A (LRG_296t1).
Identifiers: ClinVar variation 418985 (VCV000418985.23), dbSNP rs750126379, ClinGen allele CA16620572.

ClinVar aggregate classification (germline): Conflicting classifications of pathogenicity. Review status: criteria provided, conflicting classifications (1 of 4 stars). 5 submissions from 5 submitters: Uncertain significance (2); Likely benign (2). 1 of the submissions does not count toward it. Last evaluated 2026-01-28.

Conditions:
Oligodontia-cancer predisposition syndrome. Also called: TOOTH AGENESIS-COLORECTAL CANCER SYNDROME. Identifiers: Orphanet 300576, MedGen C1837750, MONDO:0012075, OMIM 608615. Disease mechanism: loss of function.
Hereditary cancer-predisposing syndrome. Also called: Hereditary neoplastic syndrome; Tumor predisposition; Neoplastic Syndromes, Hereditary; Hereditary Cancer Syndrome. Identifiers: Orphanet 140162, MedGen C0027672, MeSH D009386, MONDO:0015356.
AXIN2-related disorder.

Allele frequency attached by ClinVar (database versions not stated): gnomAD 0.00001.
gnomAD v4.1: 5 of 1,577,746 alleles (0.00032%); highest among the groups gnomAD compares: East Asian, 0.0023%; no homozygotes.

Submissions (5):

Labcorp Genetics (formerly Invitae), Labcorp
Classification: Likely benign for Oligodontia-cancer predisposition syndrome. Last evaluated: 2026-01-28. Review status: criteria provided, single submitter. Criteria: Invitae Variant Classification Sherloc (09022015). Collection method: clinical testing. Allele origin: germline.

GeneDx
Classification: Uncertain significance. Last evaluated: 2024-07-08. Review status: criteria provided, single submitter. Criteria: GeneDx Variant Classification Process June 2021. Collection method: clinical testing. Allele origin: germline. Affected: yes.
Comment: Not observed at significant frequency in large population cohorts (gnomAD); Has not been previously published as pathogenic or benign to our knowledge; In silico analysis suggests this variant may impact gene splicing. In the absence of RNA/functional studies, the actual effect of this sequence change is unknown.; This variant is associated with the following publications: (PMID: 20844743, 18514389)

Sema4
Classification: Uncertain significance for Hereditary cancer-predisposing syndrome. Last evaluated: 2022-02-02. Review status: criteria provided, single submitter. Criteria: Sema4 Curation Guidelines. Collection method: curation. Allele origin: germline.
Comment: The AXIN2 c.1284C>A (p.S428=) variant has not been reported in the literature to our knowledge. It was observed in 2/187246 chromosomes among all subpopulations, in the large and broad cohorts of the Genome Aggregation Database (PMID: 32461654). This variant has been reported in ClinVar (Variation ID 418985). Algorithms developed to predict the effect of sequence changes on RNA splicing suggest this variant may create a cryptic splice site, but this prediction has not been confirmed by functional studies. The evidence is insufficient to meet ACMG/AMP criteria for classifying the variant as benign or pathogenic. Thus, the clinical significance of this variant is currently uncertain.

Ambry Genetics
Classification: Likely benign for Hereditary cancer-predisposing syndrome. Last evaluated: 2018-11-20. Review status: criteria provided, single submitter. Criteria: Ambry Variant Classification Scheme 2023. Collection method: clinical testing. Allele origin: germline.

PreventionGenetics, part of Exact Sciences
Classification: Likely benign for AXIN2-related condition. Last evaluated: 2023-01-30. Review status: no assertion criteria provided. Collection method: clinical testing. Allele origin: germline. Not counted in ClinVar's aggregate classification.
Comment: This variant is classified as likely benign based on ACMG/AMP sequence variant interpretation guidelines (Richards et al. 2015 PMID: 25741868, with internal and published modifications).